The following is an entry in ClinVar:

ClinVar aggregate classification (germline): Uncertain significance (1 of 4 stars; one submission).

Conditions:
Inborn genetic diseases. Identifiers: MedGen C0950123, MeSH D030342.

Submission:

Ambry Genetics
Classification: Uncertain significance for Inborn genetic diseases. Last evaluated: 2020-03-25. Review status: criteria provided, single submitter. Criteria: Ambry Variant Classification Scheme 2023. Collection method: clinical testing. Allele origin: germline.
Comment: The c.2058_2063delTGCAGC variant (also known as p.A687_A688del), is located in coding exon 13 of the IGHMBP2 gene. This variant results from an in-frame deletion of six nucleotides at positions 2058 to 2063. This results in the deletion of two amino acids between codons 687 and 688. In addition, this alteration is predicted to be neutral by in silico analysis (Choi Y et al. PLoS ONE. 2012; 7(10):e46688). This amino acid position is poorly conserved in available vertebrate species. Since supporting evidence is limited at this time, the clinical significance of this alteration remains unclear.

NM_002180.3(IGHMBP2):c.2058_2063del (p.Ala687_Ala688del)

Gene: IGHMBP2 (immunoglobulin mu DNA binding protein 2; plus strand). Cytogenetic location: 11q13.3.
Variant type: Deletion.
Coding change: c.2058_2063del on transcript NM_002180.3 (MANE Select); coding-DNA positions 2058 to 2063, 6 bases deleted (TGCAGC; older notation c.2058_2063delTGCAGC).
Protein change: p.Ala687_Ala688del.
Molecular consequence: inframe deletion.
Genome position (GRCh38, 1-based): chr11:68,936,538-68,936,543, TGCAGC deleted; deleting any 6 consecutive bases within chr11:68,936,536-68,936,543 gives the same sequence; the c. name uses the placement nearest the transcript's 3' end. VCF-style (leftmost placement, unchanged base first): chr11-68936535-GGCTGCA-G. GRCh37 (hg19) VCF-style: chr11-68704003-GGCTGCA-G.
Identifiers: ClinVar variation 1785153 (VCV001785153.2), dbSNP rs1453204303, ClinGen allele CA600239794.